The following is an entry in ClinVar:

ClinVar aggregate classification (germline): Uncertain significance (0 of 4 stars; one submission).

Submission:

Department of Pathology and Laboratory Medicine, Sinai Health System
Classification: Uncertain significance. Review status: no assertion criteria provided. Collection method: clinical testing. Allele origin: unknown. Affected: yes. Study: The Canadian Open Genetics Repository (COGR).
Comment: The LYST p.Ala2497Pro variant was not identified in the literature nor was it identified in dbSNP, ClinVar, Cosmic or LOVD 3.0. The variant was also not identified in the following control databases: the 1000 Genomes Project, the NHLBI GO Exome Sequencing Project, the Exome Aggregation Consortium (August 8th 2016), or the Genome Aggregation Database (Feb 27, 2017). The variant occurs outside of the splicing consensus sequence and in silico or computational prediction software programs (SpliceSiteFinder, MaxEntScan, NNSPLICE, GeneSplicer) do not predict a difference in splicing. The p.Ala2497 residue is not conserved in mammals and computational analyses (PolyPhen-2, SIFT, AlignGVGD, BLOSUM, MutationTaster) provide inconsistent predictions regarding the impact to the protein; this information is not very predictive of pathogenicity. In summary, based on the above information the clinical significance of this variant cannot be determined with certainty at this time. This variant is classified as a variant of uncertain significance.

NM_000081.4(LYST):c.7489G>C (p.Ala2497Pro)

Gene: LYST (lysosomal trafficking regulator; minus strand). Cytogenetic location: 1q42.3.
Variant type: single nucleotide variant.
Coding change: c.7489G>C on transcript NM_000081.4 (MANE Select); coding-DNA position 7489, G replaced by C.
Protein change: p.Ala2497Pro; replaces alanine 2497 with proline.
Molecular consequence: missense variant.
Genome position (GRCh38, 1-based): chr1:235,752,143, C>G on the plus strand (G>C on the coding strand, the complement: LYST is on the minus strand). VCF-style: chr1-235752143-C-G. GRCh37 (hg19) VCF-style: chr1-235915443-C-G.
Other names: c.7489G>C, p.Ala2497Pro (NM_001301365.1); short protein forms A2497P.
Identifiers: ClinVar variation 1048901 (VCV001048901.1), dbSNP rs745703349, ClinGen allele CA344930891.
Genomic context (GRCh38, chr1:235,752,143, plus strand): 5'-AGCCTGAGGAACTGCAAGCATGAATTGTAACTGCTATGAAAAGTTGCTGTATATCACAAG[C>G]AAGCAATTTATATTCACTCATGGGAATGCTAAAGATAACAACAAAAGAAGAAAACAGAAC-3'
Protein context (NP_000072.2, residues 2487-2507): NIPMSEYKLL[Ala2497Pro]CDIQQLFIAV